The following is an entry in ClinVar:

ClinVar aggregate classification (germline): Uncertain significance (1 of 4 stars; one submission).

Conditions:
Leber congenital amaurosis 8 (LCA8). Identifiers: Orphanet 65, MedGen C3151202, MONDO:0013453, OMIM 613835.
Retinitis pigmentosa 12 (RP12). Also called: RP WITH OR WITHOUT PPRPE; RP WITH OR WITHOUT PRESERVED PARAARTERIOLE RETINAL PIGMENT EPITHELIUM; RETINITIS PIGMENTOSA WITH OR WITHOUT PARAARTERIOLAR PRESERVATION OF RETINAL PIGMENT EPITHELIUM. Identifiers: Orphanet 791, MedGen C1838647, MONDO:0010818, OMIM 600105.

Allele frequency attached by ClinVar (database versions not stated): gnomAD exomes below 0.00001.
gnomAD v4.1: 5 of 1,614,174 alleles (0.00031%); highest among the groups gnomAD compares: Non-Finnish European, 0.00042%; no homozygotes.

Submission:

Labcorp Genetics (formerly Invitae), Labcorp
Classification: Uncertain significance for Leber congenital amaurosis 8; Retinitis pigmentosa 12. Last evaluated: 2024-11-11. Review status: criteria provided, single submitter. Criteria: Invitae Variant Classification Sherloc (09022015). Collection method: clinical testing. Allele origin: germline.
Comment: This sequence change replaces cysteine, which is neutral and slightly polar, with glycine, which is neutral and non-polar, at codon 163 of the CRB1 protein (p.Cys163Gly). This variant is not present in population databases (gnomAD no frequency). This missense change has been observed in individual(s) with retinitis pigmentosa (internal data). ClinVar contains an entry for this variant (Variation ID: 1506221). Invitae Evidence Modeling of protein sequence and biophysical properties (such as structural, functional, and spatial information, amino acid conservation, physicochemical variation, residue mobility, and thermodynamic stability) indicates that this missense variant is expected to disrupt CRB1 protein function with a positive predictive value of 95%. In summary, the available evidence is currently insufficient to determine the role of this variant in disease. Therefore, it has been classified as a Variant of Uncertain Significance.

NM_201253.3(CRB1):c.487T>G (p.Cys163Gly)

Gene: CRB1 (crumbs cell polarity complex component 1; plus strand). Cytogenetic location: 1q31.3.
Variant type: single nucleotide variant.
Coding change: c.487T>G on transcript NM_201253.3 (MANE Select); coding-DNA position 487, T replaced by G.
Protein change: p.Cys163Gly; replaces cysteine 163 with glycine.
Molecular consequence: missense variant. On other transcripts: non-coding transcript variant (2).
Genome position (GRCh38, 1-based): chr1:197,328,838, T>G. VCF-style: chr1-197328838-T-G. GRCh37 (hg19) VCF-style: chr1-197297968-T-G.
Other names: c.487T>G, p.Cys163Gly (NM_001193640.2, NM_001257966.2); c.280T>G, p.Cys94Gly (NM_001257965.2); short protein forms C163G, C94G.
Identifiers: ClinVar variation 1506221 (VCV001506221.8), dbSNP rs2125304485, ClinGen allele CA344085881.